The following is an entry in ClinVar:

NM_007050.6(PTPRT):c.3883T>A (p.Cys1295Ser)

Gene: PTPRT (protein tyrosine phosphatase receptor type T; minus strand). Cytogenetic location: 20q12.
Variant type: single nucleotide variant.
Coding change: c.3883T>A on transcript NM_007050.6 (MANE Select); coding-DNA position 3883, T replaced by A.
Protein change: p.Cys1295Ser; replaces cysteine 1295 with serine.
Molecular consequence: missense variant.
Genome position (GRCh38, 1-based): chr20:42,085,817, A>T on the plus strand (T>A on the coding strand, the complement: PTPRT is on the minus strand). VCF-style: chr20-42085817-A-T. GRCh37 (hg19) VCF-style: chr20-40714457-A-T.
Other names: c.3940T>A, p.Cys1314Ser (NM_001394024.1, NM_133170.4); c.3907T>A, p.Cys1303Ser (NM_001394025.1); short protein forms C1295S, C1303S, C1314S.
Identifiers: ClinVar variation 3048700 (VCV003048700.2), dbSNP rs61740451, ClinGen allele CA9863717.

ClinVar aggregate classification (germline): Likely benign (0 of 4 stars; one submission).

Conditions:
PTPRT-related disorder. Also called: PTPRT-related condition.

Allele frequency attached by ClinVar (database versions not stated): ExAC 0.00050; 1000 Genomes Project 30x 0.00078; 1000 Genomes Project 0.00080; ESP Exome Variant Server 0.00140; gnomAD 0.00159; TOPMed 0.00173.
gnomAD v4.1: 459 of 1,613,620 alleles (0.028%); highest among the groups gnomAD compares: African/African-American, 0.55%; 3 homozygotes.

Submission:

PreventionGenetics, part of Exact Sciences
Classification: Likely benign for PTPRT-related condition. Last evaluated: 2019-04-11. Review status: no assertion criteria provided. Collection method: clinical testing. Allele origin: germline.
Comment: This variant is classified as likely benign based on ACMG/AMP sequence variant interpretation guidelines (Richards et al. 2015 PMID: 25741868, with internal and published modifications).